The following is an entry in ClinVar:

NM_001267550.2(TTN):c.45448G>A (p.Val15150Ile)

Genes: TTN (titin; minus strand), LOC126806427 (BRD4-independent group 4 enhancer GRCh37_chr2:179485777-179486976; plus strand). Cytogenetic location: 2q31.2.
Variant type: single nucleotide variant.
Coding change: c.45448G>A on transcript NM_001267550.2 (MANE Select); coding-DNA position 45448, G replaced by A.
Protein change: p.Val15150Ile; replaces valine 15150 with isoleucine.
Molecular consequence: missense variant.
Genome position (GRCh38, 1-based): chr2:178,621,270, C>T on the plus strand (G>A on the coding strand, the complement: TTN is on the minus strand). VCF-style: chr2-178621270-C-T. GRCh37 (hg19) VCF-style: chr2-179485997-C-T.
Other names: c.40525G>A, p.Val13509Ile (NM_001256850.1); c.18253G>A, p.Val6085Ile (NM_003319.4); c.37744G>A, p.Val12582Ile (NM_133378.4); c.18628G>A, p.Val6210Ile (NM_133432.3); c.18829G>A, p.Val6277Ile (NM_133437.4); short protein forms V12582I, V13509I, V6085I, V6210I, V15150I, V6277I.
Identifiers: ClinVar variation 1780826 (VCV001780826.2), dbSNP rs1395618626, ClinGen allele CA349634375.

ClinVar aggregate classification (germline): Uncertain significance (1 of 4 stars; one submission).

Conditions:
Cardiovascular phenotype. Identifiers: MedGen CN230736.

Allele frequency attached by ClinVar (database versions not stated): gnomAD exomes below 0.00001; TOPMed below 0.00001; gnomAD 0.00001.
gnomAD v4.1: 4 of 1,612,156 alleles (0.00025%); highest among the groups gnomAD compares: African/African-American, 0.0053%; no homozygotes.

Submission:

Ambry Genetics
Classification: Uncertain significance for Cardiovascular phenotype. Last evaluated: 2020-05-27. Review status: criteria provided, single submitter. Criteria: Ambry Variant Classification Scheme 2023. Collection method: clinical testing. Allele origin: germline.
Comment: The p.V6085I variant (also known as c.18253G>A), located in coding exon 73 of the TTN gene, results from a G to A substitution at nucleotide position 18253. The valine at codon 6085 is replaced by isoleucine, an amino acid with highly similar properties. This amino acid position is highly conserved in available vertebrate species. In addition, this alteration is predicted to be tolerated by in silico analysis. Since supporting evidence is limited at this time, the clinical significance of this alteration remains unclear.